The following is an entry in ClinVar:

NM_006312.6(NCOR2):c.4113G>T (p.Leu1371=)

Gene: NCOR2 (nuclear receptor corepressor 2; minus strand). Cytogenetic location: 12q24.31.
Variant type: single nucleotide variant.
Coding change: c.4113G>T on transcript NM_006312.6 (MANE Select); coding-DNA position 4113, G replaced by T.
Protein change: p.Leu1371=; no amino-acid change (leucine 1371 retained).
Molecular consequence: synonymous variant.
Genome position (GRCh38, 1-based): chr12:124,346,810, C>A on the plus strand (G>T on the coding strand, the complement: NCOR2 is on the minus strand). VCF-style: chr12-124346810-C-A. GRCh37 (hg19) VCF-style: chr12-124831356-C-A.
Other names: c.4083G>T, p.Leu1361= (NM_001077261.4, NM_001206654.2).
Identifiers: ClinVar variation 2643557 (VCV002643557.24), dbSNP rs754056416, ClinGen allele CA6868358.

ClinVar aggregate classification (germline): Likely benign (1 of 4 stars; one submission).

Allele frequency attached by ClinVar (database versions not stated): gnomAD 0.00031; TOPMed 0.00036; ExAC 0.00145.
gnomAD v4.1: 620 of 1,577,456 alleles (0.039%); highest among the groups gnomAD compares: Non-Finnish European, 0.028%; 3 homozygotes.

Submission:

CeGaT Center for Human Genetics Tuebingen
Classification: Likely benign. Last evaluated: 2022-06-01. Review status: criteria provided, single submitter. Criteria: CeGaT Center For Human Genetics Tuebingen Variant Classification Criteria Version 2. Collection method: clinical testing. Allele origin: germline. Affected: yes. Observed: 1 variant allele.
Comment: NCOR2: BP4, BP7